The following is an entry in ClinVar:

ClinVar aggregate classification (germline): Uncertain significance (1 of 4 stars; one submission).

Allele frequency attached by ClinVar (database versions not stated): TOPMed 0.00001; gnomAD exomes 0.00001.
gnomAD v4.1: 21 of 1,614,056 alleles (0.0013%); highest among the groups gnomAD compares: Non-Finnish European, 0.0018%; no homozygotes.

Submission:

Labcorp Genetics (formerly Invitae), Labcorp
Classification: Uncertain significance. Last evaluated: 2025-08-21. Review status: criteria provided, single submitter. Criteria: Invitae Variant Classification Sherloc (09022015). Collection method: clinical testing. Allele origin: germline.
Comment: This sequence change replaces proline, which is neutral and non-polar, with serine, which is neutral and polar, at codon 542 of the CSF2RB protein (p.Pro542Ser). This variant is present in population databases (no rsID available, gnomAD 0.003%). This variant has not been reported in the literature in individuals affected with CSF2RB-related conditions. ClinVar contains an entry for this variant (Variation ID: 2958103). Invitae Evidence Modeling of protein sequence and biophysical properties (such as structural, functional, and spatial information, amino acid conservation, physicochemical variation, residue mobility, and thermodynamic stability) indicates that this missense variant is expected to disrupt CSF2RB protein function with a positive predictive value of 80%. In summary, the available evidence is currently insufficient to determine the role of this variant in disease. Therefore, it has been classified as a Variant of Uncertain Significance.

NM_000395.3(CSF2RB):c.1624C>T (p.Pro542Ser)

Gene: CSF2RB (colony stimulating factor 2 receptor subunit beta; plus strand). Cytogenetic location: 22q12.3.
Variant type: single nucleotide variant.
Coding change: c.1624C>T on transcript NM_000395.3 (MANE Select); coding-DNA position 1624, C replaced by T.
Protein change: p.Pro542Ser; replaces proline 542 with serine.
Molecular consequence: missense variant.
Genome position (GRCh38, 1-based): chr22:36,937,432, C>T. VCF-style: chr22-36937432-C-T. GRCh37 (hg19) VCF-style: chr22-37333474-C-T.
Other names: c.1642C>T, p.Pro548Ser (NM_001410827.1); short protein forms P542S, P548S.
Identifiers: ClinVar variation 2958103 (VCV002958103.3), dbSNP rs1051759840, ClinGen allele CA324004268.